The following is an entry in ClinVar:

NM_173551.5(ANKS6):c.23C>T (p.Pro8Leu)

Gene: ANKS6 (ankyrin repeat and sterile alpha motif domain containing 6; minus strand). Cytogenetic location: 9q22.33.
Variant type: single nucleotide variant.
Coding change: c.23C>T on transcript NM_173551.5 (MANE Select); coding-DNA position 23, C replaced by T.
Protein change: p.Pro8Leu; replaces proline 8 with leucine.
Molecular consequence: missense variant.
Genome position (GRCh38, 1-based): chr9:98,796,469, G>A on the plus strand (C>T on the coding strand, the complement: ANKS6 is on the minus strand). VCF-style: chr9-98796469-G-A. GRCh37 (hg19) VCF-style: chr9-101558751-G-A.
Other names: short protein forms P8L.
Identifiers: ClinVar variation 1723581 (VCV001723581.2), dbSNP rs1272371924, ClinGen allele CA374220815.

ClinVar aggregate classification (germline): Uncertain significance (1 of 4 stars; one submission).

Submission:

GeneDx
Classification: Uncertain significance. Last evaluated: 2022-05-06. Review status: criteria provided, single submitter. Criteria: GeneDx Variant Classification Process June 2021. Collection method: clinical testing. Allele origin: germline. Affected: yes.
Comment: Not observed at significant frequency in large population cohorts (gnomAD); In silico analysis supports that this missense variant does not alter protein structure/function; Has not been previously published as pathogenic or benign to our knowledge